The following is an entry in ClinVar:

NM_006662.3(SRCAP):c.2819G>A (p.Arg940Gln)

Gene: SRCAP (Snf2 related CREBBP activator protein; plus strand). Cytogenetic location: 16p11.2.
Variant type: single nucleotide variant.
Coding change: c.2819G>A on transcript NM_006662.3 (MANE Select); coding-DNA position 2819, G replaced by A.
Protein change: p.Arg940Gln; replaces arginine 940 with glutamine.
Molecular consequence: missense variant.
Genome position (GRCh38, 1-based): chr16:30,720,163, G>A. VCF-style: chr16-30720163-G-A. GRCh37 (hg19) VCF-style: chr16-30731484-G-A.
Other names: short protein forms R940Q.
Identifiers: ClinVar variation 1408359 (VCV001408359.32), dbSNP rs571228447, ClinGen allele CA8011329.
Genomic context (GRCh38, chr16:30,720,163, plus strand): 5'-GCGTTGCAAAGGATGTGATTTTGTTCTTCTTTATGACTGTGCTTTCTTTCTTGTGGCAGC[G>A]GATAGACATGGGTCGATTTGACCTTATTGGCCTGGAAGGTCGTGTCTCTCGATATGAGGC-3'
Protein context (NP_006653.2, residues 930-950): LRATDVHPLQ[Arg940Gln]IDMGRFDLIG

ClinVar aggregate classification (germline): Conflicting classifications of pathogenicity. Review status: criteria provided, conflicting classifications (1 of 4 stars). 3 submissions from 3 submitters: Uncertain significance (2); Likely benign (1). Last evaluated 2024-09-23.

Conditions:
Floating-Harbor syndrome (FLHS). Also called: Short stature with delayed bone age, expressive language delay, a triangular face with a prominent nose and deep-set eyes; Pelletier-Leisti syndrome; SRCAP-Related Floating-Harbor Syndrome. Identifiers: Orphanet 2044, MedGen C0729582, MONDO:0007621, OMIM 136140.
Developmental delay, hypotonia, musculoskeletal defects, and behavioral abnormalities. Identifiers: MedGen C5562012, MONDO:0859202, OMIM 619595.

Allele frequency attached by ClinVar (database versions not stated): ExAC 0.00001; gnomAD 0.00001; 1000 Genomes Project 30x 0.00016; 1000 Genomes Project 0.00020.
gnomAD v4.1: 34 of 1,602,168 alleles (0.0021%); highest among the groups gnomAD compares: Admixed American, 0.005%; no homozygotes.

Submissions (3):

Labcorp Genetics (formerly Invitae), Labcorp
Classification: Uncertain significance. Last evaluated: 2024-09-23. Review status: criteria provided, single submitter. Criteria: Invitae Variant Classification Sherloc (09022015). Collection method: clinical testing. Allele origin: germline.
Comment: This sequence change replaces arginine, which is basic and polar, with glutamine, which is neutral and polar, at codon 940 of the SRCAP protein (p.Arg940Gln). This variant is present in population databases (rs571228447, gnomAD 0.003%). This variant has not been reported in the literature in individuals affected with SRCAP-related conditions. ClinVar contains an entry for this variant (Variation ID: 1408359). An algorithm developed to predict the effect of missense changes on protein structure and function outputs the following: PolyPhen-2: "Not Available". The glutamine amino acid residue is found in multiple mammalian species, which suggests that this missense change does not adversely affect protein function. Algorithms developed to predict the effect of sequence changes on RNA splicing suggest that this variant may create or strengthen a splice site. In summary, the available evidence is currently insufficient to determine the role of this variant in disease. Therefore, it has been classified as a Variant of Uncertain Significance.

Fulgent Genetics
Classification: Likely benign for Floating-Harbor syndrome; Developmental delay, hypotonia, musculoskeletal defects, and behavioral abnormalities. Last evaluated: 2024-04-06. Review status: criteria provided, single submitter. Criteria: ACMG Guidelines, 2015. Collection method: clinical testing. Allele origin: germline.

CeGaT Center for Human Genetics Tuebingen
Classification: Uncertain significance. Last evaluated: 2022-08-01. Review status: criteria provided, single submitter. Criteria: CeGaT Center For Human Genetics Tuebingen Variant Classification Criteria Version 2. Collection method: clinical testing. Allele origin: germline. Affected: yes. Observed: 1 variant allele.
Comment: SRCAP: PP3